The following is an entry in ClinVar:

NM_002691.4(POLD1):c.1680G>A (p.Leu560=)

Gene: POLD1 (DNA polymerase delta 1, catalytic subunit; plus strand). Cytogenetic location: 19q13.33.
Variant type: single nucleotide variant.
Coding change: c.1680G>A on transcript NM_002691.4 (MANE Select); coding-DNA position 1680, G replaced by A.
Protein change: p.Leu560=; no amino-acid change (leucine 560 retained).
Molecular consequence: synonymous variant. On other transcripts: non-coding transcript variant (1).
Genome position (GRCh38, 1-based): chr19:50,407,168, G>A. VCF-style: chr19-50407168-G-A. GRCh37 (hg19) VCF-style: chr19-50910425-G-A.
Other names: c.1680G>A, p.Leu560= (NM_001256849.1, NM_001308632.1).
Identifiers: ClinVar variation 1777906 (VCV001777906.6), dbSNP rs1193877394, ClinGen allele CA508184195.
Genomic context (GRCh38, chr19:50,407,168, plus strand): 5'-CGTGCCCCTCAGCTACCTGCTCAGTCGTGGCCAGCAGGTCAAGGTCGTATCCCAGCTGTT[G>A]CGGCAGGTCAGTAGCCGAGACTTGTCCTCGCCACCCCCCACCAGGCACGTCTGTGGCCCC-3'
Protein context (NP_002682.2, residues 550-570): GQQVKVVSQL[Leu560=]RQAMHEGLLM

ClinVar aggregate classification (germline): Benign/Likely benign. Review status: criteria provided, multiple submitters, no conflicts (2 of 4 stars). 3 submissions from 3 submitters: Benign (1); Likely benign (2). Last evaluated 2025-02-07.

Conditions:
Hereditary cancer-predisposing syndrome. Also called: Neoplastic Syndromes, Hereditary; Tumor predisposition; Hereditary neoplastic syndrome; Hereditary Cancer Syndrome. Identifiers: Orphanet 140162, MedGen C0027672, MeSH D009386, MONDO:0015356.
POLD1-related polyposis and colorectal cancer syndrome (CRCS10). Also called: COLORECTAL CANCER, SUSCEPTIBILITY TO, ON CHROMOSOME 19q; Colorectal cancer 10; Colorectal cancer, susceptibility to, 10. Identifiers: Orphanet 220460, MedGen C2675481, MONDO:0012953, OMIM 612591.

Allele frequency attached by ClinVar (database versions not stated): gnomAD exomes below 0.00001.
gnomAD v4.1: 2 of 1,602,714 alleles (0.00012%); highest among the groups gnomAD compares: South Asian, 0.0011%; no homozygotes.

Submissions (3):

Myriad Genetics, Inc.
Classification: Benign for POLD1-related polyposis and colorectal cancer syndrome. Last evaluated: 2025-02-07. Review status: criteria provided, single submitter. Criteria: Myriad Autosomal Dominant, Autosomal Recessive and X-Linked Classification Criteria (2023). Collection method: clinical testing. Allele origin: unknown.
Comment: This variant is considered benign. This variant is a silent/synonymous amino acid change and it is not expected to impact splicing.

Labcorp Genetics (formerly Invitae), Labcorp
Classification: Likely benign for POLD1-related polyposis and colorectal cancer syndrome. Last evaluated: 2023-01-19. Review status: criteria provided, single submitter. Criteria: Invitae Variant Classification Sherloc (09022015). Collection method: clinical testing. Allele origin: germline.

Ambry Genetics
Classification: Likely benign for Hereditary cancer-predisposing syndrome. Last evaluated: 2020-11-10. Review status: criteria provided, single submitter. Criteria: Ambry Variant Classification Scheme 2023. Collection method: clinical testing. Allele origin: germline.